The following is an entry in ClinVar:

ClinVar aggregate classification (germline): Likely benign. Review status: criteria provided, single submitter (1 of 4 stars). 2 submissions from 2 submitters: Likely benign (1). 1 of the submissions does not count toward it. Last evaluated 2026-01-11.

Conditions:
TRAPPC11-related disorder. Also called: TRAPPC11-related condition.
Autosomal recessive limb-girdle muscular dystrophy type R18 (LGMDR18). Also called: Limb-girdle muscular dystrophy, type 2S; MUSCULAR DYSTROPHY, LIMB-GIRDLE, AUTOSOMAL RECESSIVE 18; Autosomal recessive limb-girdle muscular dystrophy type 2S. Identifiers: Orphanet 369840, MedGen C4517996, MONDO:0014144, OMIM 615356.

Allele frequency attached by ClinVar (database versions not stated): ExAC 0.00001; gnomAD 0.00001; gnomAD exomes 0.00001.
gnomAD v4.1: 22 of 1,613,800 alleles (0.0014%); highest among the groups gnomAD compares: Non-Finnish European, 0.0016%; no homozygotes.

Submissions (2):

Labcorp Genetics (formerly Invitae), Labcorp
Classification: Likely benign for Autosomal recessive limb-girdle muscular dystrophy type R18. Last evaluated: 2026-01-11. Review status: criteria provided, single submitter. Criteria: Invitae Variant Classification Sherloc (09022015). Collection method: clinical testing. Allele origin: germline.

PreventionGenetics, part of Exact Sciences
Classification: Likely benign for TRAPPC11-related condition. Last evaluated: 2023-11-29. Review status: no assertion criteria provided. Collection method: clinical testing. Allele origin: germline. Not counted in ClinVar's aggregate classification.
Comment: This variant is classified as likely benign based on ACMG/AMP sequence variant interpretation guidelines (Richards et al. 2015 PMID: 25741868, with internal and published modifications).

NM_021942.6(TRAPPC11):c.135A>G (p.Arg45=)

Gene: TRAPPC11 (trafficking protein particle complex subunit 11; plus strand). Cytogenetic location: 4q35.1.
Variant type: single nucleotide variant.
Coding change: c.135A>G on transcript NM_021942.6 (MANE Select); coding-DNA position 135, A replaced by G.
Protein change: p.Arg45=; no amino-acid change (arginine 45 retained).
Molecular consequence: synonymous variant.
Genome position (GRCh38, 1-based): chr4:183,664,002, A>G. VCF-style: chr4-183664002-A-G. GRCh37 (hg19) VCF-style: chr4-184585155-A-G.
Other names: c.135A>G (NM_021942.5); c.135A>G, p.Arg45= (NM_199053.3).
Identifiers: ClinVar variation 2417212 (VCV002417212.11), dbSNP rs755033689, ClinGen allele CA3151488.